The following is an entry in ClinVar:

ClinVar aggregate classification (germline): Pathogenic (1 of 4 stars; one submission).

Submission:

Labcorp Genetics (formerly Invitae), Labcorp
Classification: Pathogenic. Last evaluated: 2024-04-15. Review status: criteria provided, single submitter. Criteria: Invitae Variant Classification Sherloc (09022015). Collection method: clinical testing. Allele origin: germline.
Comment: This sequence change creates a premature translational stop signal (p.Tyr250*) in the PHEX gene. It is expected to result in an absent or disrupted protein product. Loss-of-function variants in PHEX are known to be pathogenic (PMID: 9097956, 9106524, 19219621). This variant is not present in population databases (gnomAD no frequency). This premature translational stop signal has been observed in individual(s) with hypophosphatemia (PMID: 9768674). ClinVar contains an entry for this variant (Variation ID: 954281). For these reasons, this variant has been classified as Pathogenic.

Literature cited by the submitters: PubMed 9097956; PubMed 9106524; PubMed 19219621; PubMed 9768674.

NM_000444.6(PHEX):c.750C>A (p.Tyr250Ter)

Gene: PHEX (phosphate regulating endopeptidase X-linked; plus strand). Cytogenetic location: Xp22.11.
Variant type: single nucleotide variant.
Coding change: c.750C>A on transcript NM_000444.6 (MANE Select); coding-DNA position 750, C replaced by A.
Protein change: p.Tyr250Ter; replaces tyrosine 250 with a stop codon.
Molecular consequence: nonsense.
Genome position (GRCh38, 1-based): chrX:22,094,000, C>A. VCF-style: chrX-22094000-C-A. GRCh37 (hg19) VCF-style: chrX-22112118-C-A.
Other names: c.750C>A, p.Tyr250Ter (NM_001282754.2); short protein forms Y250*.
Identifiers: ClinVar variation 954281 (VCV000954281.9), dbSNP rs1322662992, ClinGen allele CA412572291.